The following is an entry in ClinVar:

ClinVar aggregate classification (germline): Conflicting classifications of pathogenicity. Review status: criteria provided, conflicting classifications (1 of 4 stars). 3 submissions from 3 submitters: Uncertain significance (1); Likely benign (2). Last evaluated 2025-07-21.

Conditions:
Microcephaly 3, primary, autosomal recessive. Identifiers: Orphanet 2512, MedGen C1858108, MONDO:0011488, OMIM 604804.

Allele frequency attached by ClinVar (database versions not stated): gnomAD exomes 0.00008 and 0.00019; gnomAD 0.00009; TOPMed 0.00015; 1000 Genomes Project 30x 0.00016; 1000 Genomes Project 0.00020; ExAC 0.00023.
gnomAD v4.1: 163 of 1,614,160 alleles (0.01%); highest among the groups gnomAD compares: East Asian, 0.26%; 1 homozygote.

Submissions (3):

Labcorp Genetics (formerly Invitae), Labcorp
Classification: Likely benign. Last evaluated: 2025-07-21. Review status: criteria provided, single submitter. Criteria: Invitae Variant Classification Sherloc (09022015). Collection method: clinical testing. Allele origin: germline.

Illumina Laboratory Services, Illumina
Classification: Uncertain significance for Microcephaly 3, primary, autosomal recessive. Last evaluated: 2018-01-13. Review status: criteria provided, single submitter. Criteria: ICSL Variant Classification Criteria 13 December 2019. Collection method: clinical testing. Allele origin: germline.

GeneDx
Classification: Likely benign. Last evaluated: 2015-03-19. Review status: criteria provided, single submitter. Criteria: GeneDx Variant Classification (06012015). Collection method: clinical testing. Allele origin: germline. Affected: yes.
Comment: This variant is considered likely benign or benign based on one or more of the following criteria: it is a conservative change, it occurs at a poorly conserved position in the protein, it is predicted to be benign by multiple in silico algorithms, and/or has population frequency not consistent with disease.

NM_018249.6(CDK5RAP2):c.3361A>G (p.Thr1121Ala)

Gene: CDK5RAP2 (CDK5 regulatory subunit associated protein 2; minus strand). Cytogenetic location: 9q33.2.
Variant type: single nucleotide variant.
Coding change: c.3361A>G on transcript NM_018249.6 (MANE Select); coding-DNA position 3361, A replaced by G.
Protein change: p.Thr1121Ala; replaces threonine 1121 with alanine.
Molecular consequence: missense variant. On other transcripts: non-coding transcript variant (5).
Genome position (GRCh38, 1-based): chr9:120,439,760, T>C on the plus strand (A>G on the coding strand, the complement: CDK5RAP2 is on the minus strand). VCF-style: chr9-120439760-T-C. GRCh37 (hg19) VCF-style: chr9-123202038-T-C.
Other names: c.3361A>G, p.Thr1121Ala (NM_001011649.3); c.2671A>G, p.Thr891Ala (NM_001272039.2); short protein forms T1121A, T891A.
Identifiers: ClinVar variation 377644 (VCV000377644.9), dbSNP rs201849065, ClinGen allele CA5213840.